The following is an entry in ClinVar:

NM_002294.3(LAMP2):c.815T>G (p.Leu272Arg)

Gene: LAMP2 (lysosome associated membrane protein 2; minus strand). Cytogenetic location: Xq24.
Variant type: single nucleotide variant.
Coding change: c.815T>G on transcript NM_002294.3 (MANE Select); coding-DNA position 815, T replaced by G.
Protein change: p.Leu272Arg; replaces leucine 272 with arginine.
Molecular consequence: missense variant.
Genome position (GRCh38, 1-based): chrX:120,446,354, A>C on the plus strand (T>G on the coding strand, the complement: LAMP2 is on the minus strand). VCF-style: chrX-120446354-A-C. GRCh37 (hg19) VCF-style: chrX-119580209-A-C.
Other names: c.815T>G, p.Leu272Arg (NM_001122606.1, NM_013995.2); short protein forms L272R.
Identifiers: ClinVar variation 571303 (VCV000571303.10), dbSNP rs1569369217, ClinGen allele CA414400854.
Genomic context (GRCh38, chrX:120,446,354, plus strand): 5'-CTGTTACTCACCACAGCAAAGACAAAGTCTAGATACTTAATGGTGCTGCTATTGAGTCTA[A>C]GTAGAGCAGTGTGAGAACGGCAGCTGCCTGTGGAGTGAGTTGTATTGGGGTTGATGTTAA-3'
Protein context (NP_002285.1, residues 262-282): TGSCRSHTAL[Leu272Arg]RLNSSTIKYL

ClinVar aggregate classification (germline): Uncertain significance (1 of 4 stars; one submission).

Conditions:
Danon disease. Also called: ANTOPOL DISEASE; GSD IIb; LYSOSOMAL GLYCOGEN STORAGE DISEASE WITHOUT ACID MALTASE DEFICIENCY; Glycogen Storage Disease Type IIb; PSEUDOGLYCOGENOSIS II. Identifiers: Orphanet 34587, MedGen C0878677, MONDO:0010281, OMIM 300257.

Submission:

Labcorp Genetics (formerly Invitae), Labcorp
Classification: Uncertain significance for Danon disease. Last evaluated: 2024-04-08. Review status: criteria provided, single submitter. Criteria: Invitae Variant Classification Sherloc (09022015). Collection method: clinical testing. Allele origin: germline.
Comment: This sequence change replaces leucine, which is neutral and non-polar, with arginine, which is basic and polar, at codon 272 of the LAMP2 protein (p.Leu272Arg). This variant is not present in population databases (gnomAD no frequency). This variant has not been reported in the literature in individuals affected with LAMP2-related conditions. ClinVar contains an entry for this variant (Variation ID: 571303). Advanced modeling of protein sequence and biophysical properties (such as structural, functional, and spatial information, amino acid conservation, physicochemical variation, residue mobility, and thermodynamic stability) performed at Invitae indicates that this missense variant is expected to disrupt LAMP2 protein function with a positive predictive value of 80%. In summary, the available evidence is currently insufficient to determine the role of this variant in disease. Therefore, it has been classified as a Variant of Uncertain Significance.